The following is an entry in ClinVar:

NM_173602.3(DIP2B):c.2197T>C (p.Cys733Arg)

Gene: DIP2B (DIP2 acetate--CoA ligase B (putative); plus strand). Cytogenetic location: 12q13.12.
Variant type: single nucleotide variant.
Coding change: c.2197T>C on transcript NM_173602.3 (MANE Select); coding-DNA position 2197, T replaced by C.
Protein change: p.Cys733Arg; replaces cysteine 733 with arginine.
Molecular consequence: missense variant.
Genome position (GRCh38, 1-based): chr12:50,699,074, T>C. VCF-style: chr12-50699074-T-C. GRCh37 (hg19) VCF-style: chr12-51092857-T-C.
Other names: short protein forms C733R.
Identifiers: ClinVar variation 4875275 (VCV004875275.2).

ClinVar aggregate classification (germline): Uncertain significance (1 of 4 stars; one submission).

Submission:

CeGaT Center for Human Genetics Tuebingen
Classification: Uncertain significance. Last evaluated: 2026-06-01. Review status: criteria provided, single submitter. Criteria: CeGaT Center For Human Genetics Tuebingen Variant Classification Criteria Version 2. Collection method: clinical testing. Allele origin: germline. Affected: yes. Observed: 1 variant allele.
Comment: DIP2B: PM2